The following is an entry in ClinVar:

NM_001042492.3(NF1):c.7869+9T>C

Gene: NF1 (neurofibromin 1; plus strand). Cytogenetic location: 17q11.2.
Variant type: single nucleotide variant.
Coding change: c.7869+9T>C on transcript NM_001042492.3 (MANE Select); 9 bases into the intron after coding-DNA position 7869, T replaced by C.
Molecular consequence: intron variant.
Genome position (GRCh38, 1-based): chr17:31,357,099, T>C. VCF-style: chr17-31357099-T-C. GRCh37 (hg19) VCF-style: chr17-29684117-T-C.
Other names: c.7806+9T>C (NM_000267.4); c.7869+9T>C (NM_001042492.2).
Identifiers: ClinVar variation 755771 (VCV000755771.12), dbSNP rs940367528, ClinGen allele CA289407755.

ClinVar aggregate classification (germline): Likely benign. Review status: criteria provided, multiple submitters, no conflicts (2 of 4 stars). 4 submissions from 4 submitters: Likely benign (3). 1 of the submissions does not count toward it. Last evaluated 2026-05-14.

Conditions:
Juvenile myelomonocytic leukemia (JMML). Also called: LEUKEMIA, JUVENILE MYELOMONOCYTIC, SOMATIC. Identifiers: Orphanet 86834, MedGen C0349639, MONDO:0011908, OMIM 607785, HP:0012209.
Neurofibromatosis, type 1 (NF1). Also called: NEUROFIBROMATOSIS, TYPE I, SOMATIC; Peripheral type neurofibromatosis; VON RECKLINGHAUSEN DISEASE; Neurofibromatosis, type I. Identifiers: Orphanet 636, MedGen C0027831, MONDO:0018975, OMIM 162200. Disease mechanism: loss of function.
Neurofibromatosis, familial spinal (FSNF). Identifiers: Orphanet 636, MedGen C1834235, MONDO:0008078, OMIM 162210. Disease mechanism: loss of function.
Neurofibromatosis-Noonan syndrome (NFNS). Also called: NEUROFIBROMATOSIS WITH NOONAN PHENOTYPE. Identifiers: Orphanet 638, MedGen C2931482, MONDO:0011035, OMIM 601321. Disease mechanism: loss of function.
Café-au-lait macules with pulmonary stenosis (WTSN). Also called: PULMONIC STENOSIS WITH CAFE-AU-LAIT SPOTS. Identifiers: MedGen C0553586, MONDO:0008672, OMIM 193520.
NF1-related disorder. Also called: NF1-related condition. Identifiers: MedGen CN379171.

Allele frequency attached by ClinVar (database versions not stated): gnomAD 0.00001; TOPMed 0.00001.
gnomAD v4.1: 2 of 1,612,972 alleles (0.00012%); highest among the groups gnomAD compares: African/African-American, 0.0027%; no homozygotes.

Submissions (4):

Myriad Genetics, Inc.
Classification: Likely benign for Neurofibromatosis, type 1. Last evaluated: 2026-05-14. Review status: criteria provided, single submitter. Criteria: Myriad Autosomal Dominant, Autosomal Recessive and X-Linked Classification Criteria (2023). Collection method: clinical testing. Allele origin: unknown.
Comment: This variant is considered likely benign. This variant is intronic and is not expected to impact mRNA splicing.

Labcorp Genetics (formerly Invitae), Labcorp
Classification: Likely benign for Neurofibromatosis, type 1. Last evaluated: 2025-11-05. Review status: criteria provided, single submitter. Criteria: Invitae Variant Classification Sherloc (09022015). Collection method: clinical testing. Allele origin: germline.

Fulgent Genetics
Classification: Likely benign for Neurofibromatosis, type 1; Neurofibromatosis, familial spinal; Café-au-lait macules with pulmonary stenosis; Neurofibromatosis-Noonan syndrome; Juvenile myelomonocytic leukemia. Last evaluated: 2021-11-04. Review status: criteria provided, single submitter. Criteria: ACMG Guidelines, 2015. Collection method: clinical testing. Allele origin: unknown.

PreventionGenetics, part of Exact Sciences
Classification: Likely benign for NF1-related condition. Last evaluated: 2024-07-28. Review status: no assertion criteria provided. Collection method: clinical testing. Allele origin: germline. Not counted in ClinVar's aggregate classification.
Comment: This variant is classified as likely benign based on ACMG/AMP sequence variant interpretation guidelines (Richards et al. 2015 PMID: 25741868, with internal and published modifications).